The following is an entry in ClinVar:

ClinVar aggregate classification (germline): Uncertain significance (1 of 4 stars; one submission).

Conditions:
Neuropathy, hereditary sensory and autonomic, type 2A (HSAN2A). Also called: ACROOSTEOLYSIS, GIACCAI TYPE; ACROOSTEOLYSIS, NEUROGENIC; MORVAN DISEASE; NEUROPATHY, CONGENITAL SENSORY; NEUROPATHY, HEREDITARY SENSORY RADICULAR, AUTOSOMAL RECESSIVE; NEUROPATHY, HEREDITARY SENSORY, TYPE IIA. Identifiers: Orphanet 970, MedGen C2752089, MONDO:0024309, OMIM 201300.
Pseudohypoaldosteronism type 2C (PHA2C). Also called: Pseudohypoaldosteronism Type IIC. Identifiers: Orphanet 757, Orphanet 88940, MedGen C1840391, MONDO:0013778, OMIM 614492.

gnomAD v4.1: 9 of 1,520,288 alleles (0.00059%); highest among the groups gnomAD compares: South Asian, 0.0085%; no homozygotes.

Submission:

Labcorp Genetics (formerly Invitae), Labcorp
Classification: Uncertain significance for Neuropathy, hereditary sensory and autonomic, type 2A; Pseudohypoaldosteronism type 2C. Last evaluated: 2025-07-05. Review status: criteria provided, single submitter. Criteria: Invitae Variant Classification Sherloc (09022015). Collection method: clinical testing. Allele origin: germline.
Comment: This sequence change replaces glycine, which is neutral and non-polar, with aspartic acid, which is acidic and polar, at codon 717 of the WNK1 protein (p.Gly717Asp). The frequency data for this variant in the population databases is considered unreliable, as metrics indicate poor data quality at this position in the gnomAD database. This variant has not been reported in the literature in individuals affected with WNK1-related conditions. ClinVar contains an entry for this variant (Variation ID: 3761438). Invitae Evidence Modeling of protein sequence and biophysical properties (such as structural, functional, and spatial information, amino acid conservation, physicochemical variation, residue mobility, and thermodynamic stability) indicates that this missense variant is not expected to disrupt WNK1 protein function with a negative predictive value of 95%. Algorithms developed to predict the effect of sequence changes on RNA splicing suggest that this variant may create or strengthen a splice site. In summary, the available evidence is currently insufficient to determine the role of this variant in disease. Therefore, it has been classified as a Variant of Uncertain Significance.

NM_213655.5(WNK1):c.2150G>A (p.Gly717Asp)

Gene: WNK1 (WNK lysine deficient protein kinase 1; plus strand). Cytogenetic location: 12p13.33.
Variant type: single nucleotide variant.
Coding change: c.2150G>A on transcript NM_213655.5 (MANE Plus Clinical); coding-DNA position 2150, G replaced by A.
Protein change: p.Gly717Asp; replaces glycine 717 with aspartic acid.
Molecular consequence: missense variant. On other transcripts: intron variant (3).
Genome position (GRCh38, 1-based): chr12:865,120, G>A. VCF-style: chr12-865120-G-A. GRCh37 (hg19) VCF-style: chr12-974286-G-A.
Other names: c.2140-2746G>A (NM_001184985.2); c.2139+2850G>A (NM_018979.4, NM_014823.3); short protein forms G717D.
Identifiers: ClinVar variation 3761438 (VCV003761438.2).